The following is an entry in ClinVar:

NM_000350.3(ABCA4):c.4243dup (p.Thr1415fs)

Gene: ABCA4 (ATP binding cassette subfamily A member 4; minus strand). Cytogenetic location: 1p22.1.
Variant type: Duplication.
Coding change: c.4243dup on transcript NM_000350.3 (MANE Select); coding-DNA position 4243, one base duplicated (A; older notation c.4243dupA).
Protein change: p.Thr1415fs; shifts the reading frame from threonine 1415.
Molecular consequence: frameshift variant.
Genome position (GRCh38, 1-based): chr1:94,031,006, T duplicated on the plus strand (A on the coding strand, the reverse complement: ABCA4 is on the minus strand). VCF-style (leftmost placement, unchanged base first): chr1-94031005-G-GT. GRCh37 (hg19) VCF-style: chr1-94496561-G-GT.
Other names: c.4021dup, p.Thr1341Asnfs (NM_001425324.1); short protein forms T1415fs.
Identifiers: ClinVar variation 1804641 (VCV001804641.2), dbSNP rs2523728931, ClinGen allele CA2580063381.
Genomic context (GRCh38, chr1:94,031,005, plus strand): 5'-CCCAGGTGCCCCAAACCCACAGAGGAGAATGGTGACCCCGAGTCCGCGCACCTGAAGAAG[G>GT]TGTACTGCTGCCCATATATCCAGGGGTGAAGGGTCAAAGCGGGGTATTCGCCAAAAGGAG-3'

ClinVar aggregate classification (germline): Pathogenic. Review status: criteria provided, single submitter (1 of 4 stars). 2 submissions from 2 submitters: Pathogenic (1). 1 of the submissions does not count toward it. Last evaluated 2020-08-04.

Conditions:
ABCA4-related disorder. Also called: ABCA4-related condition; ABCA4-related disorders. Identifiers: MedGen CN239167.
Stargardt disease (FFM). Also called: Stargardt's disease; Fundus flavimaculatus. Identifiers: Orphanet 827, MedGen C0271093, MONDO:0019353.

Submissions (2):

Blueprint Genetics
Classification: Pathogenic for ABCA4-related disorders. Last evaluated: 2020-08-04. Review status: criteria provided, single submitter. Criteria: ACMG Guidelines, 2015. Collection method: clinical testing. Allele origin: germline. Affected: yes. Observed: 2 variant alleles.

Ophthalmo-Genetics Lab, Instituto de Oftalmologia Conde de Valenciana
Classification: Pathogenic for Stargardt disease. Last evaluated: 2022-12-20. Review status: no assertion criteria provided. Collection method: research. Allele origin: biparental. Inheritance: Autosomal recessive inheritance. Affected: yes. Observed: 1 compound heterozygote. Not counted in ClinVar's aggregate classification.
Comment: PSV1,PM2,PP4 ACMG Criteria

Literature cited by the submitters: PubMed 35608843 (cited by Ophthalmo-Genetics Lab, Instituto de Oftalmologia Conde de Valenciana).